The following is an entry in ClinVar:

NM_024876.4(COQ8B):c.1560G>A (p.Trp520Ter)

Gene: COQ8B (coenzyme Q8B; minus strand). Cytogenetic location: 19q13.2.
Variant type: single nucleotide variant.
Coding change: c.1560G>A on transcript NM_024876.4 (MANE Select); coding-DNA position 1560, G replaced by A.
Protein change: p.Trp520Ter; replaces tryptophan 520 with a stop codon.
Molecular consequence: nonsense.
Genome position (GRCh38, 1-based): chr19:40,692,110, C>T on the plus strand (G>A on the coding strand, the complement: COQ8B is on the minus strand). VCF-style: chr19-40692110-C-T. GRCh37 (hg19) VCF-style: chr19-41198015-C-T.
Other names: c.1437G>A, p.Trp479Ter (NM_001142555.3); short protein forms W520*, W479*.
Identifiers: ClinVar variation 521659 (VCV000521659.15), dbSNP rs369205319, ClinGen allele CA9449976.

ClinVar aggregate classification (germline): Conflicting classifications of pathogenicity. Review status: criteria provided, conflicting classifications (1 of 4 stars). 7 submissions from 7 submitters: Pathogenic (2); Likely pathogenic (3); Uncertain significance (2). Last evaluated 2025-11-24.

Conditions:
COQ8B-related disorder. Also called: COQ8B-related condition.
Nephrotic syndrome, type 9 (NPHS9). Identifiers: Orphanet 656, MedGen C3809965, MONDO:0014257, OMIM 615573.
Retinitis pigmentosa (RP). Identifiers: Orphanet 791, MedGen C0035334, MeSH D012174, MONDO:0019200, OMIM 268000. Inheritance: Autosomal dominant, autosomal recessive and X linked inheritance.
Inborn genetic diseases. Identifiers: MedGen C0950123, MeSH D030342.

Allele frequency attached by ClinVar (database versions not stated): ExAC 0.00006; gnomAD exomes 0.00006 and 0.00008; ESP Exome Variant Server 0.00008; gnomAD 0.00009 and 0.00011; TOPMed 0.00024.

Submissions (7):

PreventionGenetics, part of Exact Sciences
Classification: Likely pathogenic for COQ8B-related condition. Last evaluated: 2025-11-24. Review status: criteria provided, single submitter. Criteria: ACMG Guidelines, 2015. Collection method: clinical testing. Allele origin: germline.
Comment: The COQ8B c.1560G>A variant is predicted to result in premature protein termination (p.Trp520*). This variant has been reported in the compound heterozygous state in an individual with early onset proteinuria and teenage onset of focal segmental glomerulosclerosis (AbuMaziad et al 2021. PubMed ID: 33084234). This variant was also reported in the compound heterozygous state in four other individuals with retinitis pigmentosa (Iglesias-Romero et al. 2024. PubMed ID: 39226897). The c.1560G>A variant occurs in the least exon and is expected to escape nonsense-mediated decay and would result in the loss of the last 25 amino acids from the C-terminal end. This variant is reported in 0.029% of alleles in individuals of Latino descent in gnomAD. This variant is interpreted as likely pathogenic.

First Genomix Gene Laboratory, Genetic Diagnostics Department
Classification: Likely pathogenic for Nephrotic syndrome, type 9. Last evaluated: 2025-09-23. Review status: criteria provided, single submitter. Criteria: ACMG Guidelines, 2015. Collection method: clinical testing. Allele origin: germline. Inheritance: Autosomal recessive inheritance. Affected: no. Observed: 1 variant allele.

Ophthalmic Genetics Group, Institute of Molecular and Clinical Ophthalmology Basel
Classification: Likely pathogenic for Retinitis pigmentosa. Last evaluated: 2024-07-12. Review status: criteria provided, single submitter. Criteria: ACMG Guidelines, 2015. Collection method: research, in vitro. Allele origin: inherited, not applicable. Inheritance: Autosomal recessive inheritance. Affected: yes. Observed: 3 compound heterozygotes. Functional consequence: protein truncation.
Comment: COQ8B p.(Trp520Ter) variant is a nonsense variant that results in a premature stop codon in exon 14 of COQ8B. Since the variant is located in the last exon of the gene, it is predicted to escape nonsense-mediated mRNA decay (NMD), resulting in a truncated protein with loss of the terminal 25 of 544 amino acid residues. Based on the three-dimensional model of COQ8A and using the structure of COQ8AΔN255 (PDB-ID: 4PED; residues 255–644) as a reference paralogue of COQ8B, the loss of this C-terminal portion of the protein should not affect its stability or folding. However, this region may be important for inter- or intra-molecular protein interactions required for COQ8B allosteric regulation and, therefore, for its function as previously suggested (AbuMaziad et a. 2020; DOI: 10.1002/ajmg.a.61909). This variant was present in gnomAD with a frequency of 7.5 x 10-5 with no homozygotes reported.

Labcorp Genetics (formerly Invitae), Labcorp
Classification: Uncertain significance. Last evaluated: 2022-06-28. Review status: criteria provided, single submitter. Criteria: Invitae Variant Classification Sherloc (09022015). Collection method: clinical testing. Allele origin: germline.
Comment: This sequence change creates a premature translational stop signal (p.Trp520*) in the COQ8B gene. While this is not anticipated to result in nonsense mediated decay, it is expected to disrupt the last 25 amino acid(s) of the COQ8B protein. This variant is present in population databases (rs369205319, gnomAD 0.03%). This premature translational stop signal has been observed in individual(s) with clinical features of COQ8B-related conditions (PMID: 33084234). ClinVar contains an entry for this variant (Variation ID: 521659). Experimental studies and prediction algorithms are not available or were not evaluated, and the functional significance of this variant is currently unknown. In summary, the available evidence is currently insufficient to determine the role of this variant in disease. Therefore, it has been classified as a Variant of Uncertain Significance.

Mendelics
Classification: Pathogenic for Nephrotic syndrome, type 9. Last evaluated: 2022-05-04. Review status: criteria provided, single submitter. Criteria: Mendelics Assertion Criteria 2019. Collection method: clinical testing. Allele origin: germline.

Molecular Diagnostics Lab, Nemours Children's Health, Delaware
Classification: Pathogenic for Nephrotic syndrome, type 9. Last evaluated: 2019-10-02. Review status: criteria provided, single submitter. Criteria: ACMG Guidelines, 2015. Collection method: clinical testing. Allele origin: unknown. Inheritance: Autosomal recessive inheritance. Affected: yes. Observed: 1 heterozygote.
Comment: This nonsense variant (c.1560G>A, p.Trp520*) has not been observed in population databases (gnomAD) but has been reported in the literature (PMID 33084234). It was identified as heterozygous in an affected patient, although no other clincally significant variants were noted in COQ8B.

Ambry Genetics
Classification: Uncertain significance for Inborn genetic diseases. Last evaluated: 2017-04-13. Review status: criteria provided, single submitter. Criteria: Ambry exome assertion method (8-5-2015). Collection method: clinical testing. Allele origin: germline. Affected: yes. Observed: 1 variant allele.

Literature cited by the submitters: PubMed 39226897 (cited by Ophthalmic Genetics Group, Institute of Molecular and Clinical Ophthalmology Basel); PubMed 33084234 (cited by Labcorp Genetics (formerly Invitae), Labcorp and Molecular Diagnostics Lab, Nemours Children's Health, Delaware).